The following is an entry in ClinVar:

NM_004341.5(CAD):c.874T>A (p.Ser292Thr)

Gene: CAD (carbamoyl-phosphate synthetase 2, aspartate transcarbamylase, and dihydroorotase; plus strand). Cytogenetic location: 2p23.3.
Variant type: single nucleotide variant.
Coding change: c.874T>A on transcript NM_004341.5 (MANE Select); coding-DNA position 874, T replaced by A.
Protein change: p.Ser292Thr; replaces serine 292 with threonine.
Molecular consequence: missense variant.
Genome position (GRCh38, 1-based): chr2:27,223,627, T>A. VCF-style: chr2-27223627-T-A. GRCh37 (hg19) VCF-style: chr2-27446495-T-A.
Other names: c.874T>A, p.Ser292Thr (NM_001306079.2); short protein forms S292T.
Identifiers: ClinVar variation 4692854 (VCV004692854.1).

ClinVar aggregate classification (germline): Uncertain significance (1 of 4 stars; one submission).

gnomAD v4.1: 6 of 1,613,938 alleles (0.00037%); highest among the groups gnomAD compares: East Asian, 0.0022%; no homozygotes.

Submission:

Labcorp Genetics (formerly Invitae), Labcorp
Classification: Uncertain significance. Last evaluated: 2025-09-23. Review status: criteria provided, single submitter. Criteria: Invitae Variant Classification Sherloc (09022015). Collection method: clinical testing. Allele origin: germline.
Comment: This sequence change replaces serine, which is neutral and polar, with threonine, which is neutral and polar, at codon 292 of the CAD protein (p.Ser292Thr). This variant is present in population databases (rs780194881, gnomAD 0.01%). This variant has not been reported in the literature in individuals affected with CAD-related conditions. An algorithm developed to predict the effect of missense changes on protein structure and function (PolyPhen-2) suggests that this variant is likely to be tolerated. In summary, the available evidence is currently insufficient to determine the role of this variant in disease. Therefore, it has been classified as a Variant of Uncertain Significance.